The following is an entry in ClinVar:

NM_000264.5(PTCH1):c.2234T>C (p.Leu745Ser)

Genes: PTCH1 (patched 1; minus strand), LOC100507346 (uncharacterized LOC100507346; plus strand). Cytogenetic location: 9q22.32.
Variant type: single nucleotide variant.
Coding change: c.2234T>C on transcript NM_000264.5 (MANE Select); coding-DNA position 2234, T replaced by C.
Protein change: p.Leu745Ser; replaces leucine 745 with serine.
Molecular consequence: missense variant. On other transcripts: non-coding transcript variant (2).
Genome position (GRCh38, 1-based): chr9:95,468,767, A>G on the plus strand (T>C on the coding strand, the complement: PTCH1 is on the minus strand). VCF-style: chr9-95468767-A-G. GRCh37 (hg19) VCF-style: chr9-98231049-A-G.
Other names: c.2036T>C, p.Leu679Ser (NM_001083602.3); c.2231T>C, p.Leu744Ser (NM_001083603.3); c.1781T>C, p.Leu594Ser (NM_001083604.3, NM_001083605.3, NM_001083606.3 and 1 more transcripts); c.2078T>C, p.Leu693Ser (NM_001354918.2); short protein forms L745S, L679S, L693S, L594S, L744S.
Identifiers: ClinVar variation 4146909 (VCV004146909.1).

ClinVar aggregate classification (germline): Uncertain significance (1 of 4 stars; one submission).

Conditions:
Hereditary cancer-predisposing syndrome. Also called: Hereditary neoplastic syndrome; Neoplastic Syndromes, Hereditary; Tumor predisposition; Hereditary Cancer Syndrome. Identifiers: Orphanet 140162, MedGen C0027672, MeSH D009386, MONDO:0015356.

Submission:

Ambry Genetics
Classification: Uncertain significance for Hereditary cancer-predisposing syndrome. Last evaluated: 2025-09-10. Review status: criteria provided, single submitter. Criteria: Ambry Variant Classification Scheme 2023. Collection method: clinical testing. Allele origin: germline.
Comment: The p.L745S variant (also known as c.2234T>C), located in coding exon 14 of the PTCH1 gene, results from a T to C substitution at nucleotide position 2234. The leucine at codon 745 is replaced by serine, an amino acid with dissimilar properties. This amino acid position is conserved. In addition, this alteration is predicted to be deleterious by in silico analysis. Based on the available evidence, the clinical significance of this variant remains unclear.